The following is an entry in ClinVar:

ClinVar aggregate classification (germline): Pathogenic. Review status: criteria provided, multiple submitters, no conflicts (2 of 4 stars). 4 submissions from 3 submitters: Pathogenic (2). 2 of the submissions do not count toward it. Last evaluated 2023-05-23.

Conditions:
Waardenburg syndrome type 2A (WS2A). Also called: WAARDENBURG SYNDROME WITHOUT DYSTOPIA CANTHORUM. Identifiers: Orphanet 3440, MedGen C1860339, MONDO:0008671, OMIM 193510.
Tietz syndrome (TADS). Also called: TIETZ ALBINISM-DEAFNESS SYNDROME; ALBINISM-DEAFNESS OF TIETZ; HYPOPIGMENTATION/DEAFNESS OF TIETZ. Identifiers: Orphanet 42665, MedGen C0391816, MONDO:0007077, OMIM 103500.
Melanoma, cutaneous malignant, susceptibility to, 8. Also called: MELANOMA AND RENAL CELL CARCINOMA, SUSCEPTIBILITY TO; Cutaneous malignant melanoma 8. Identifiers: Orphanet 293822, MedGen C3152204, MONDO:0013759, OMIM 614456.
Coloboma, osteopetrosis, microphthalmia, macrocephaly, albinism, and deafness (COMMAD). Also called: COMMAD syndrome. Identifiers: Orphanet 603494, MedGen C4310625, MONDO:0015014, OMIM 617306.

Submissions (4):

Labcorp Genetics (formerly Invitae), Labcorp
Classification: Pathogenic for Melanoma, cutaneous malignant, susceptibility to, 8; Waardenburg syndrome type 2A; Tietz syndrome. Last evaluated: 2023-05-23. Review status: criteria provided, single submitter. Criteria: Invitae Variant Classification Sherloc (09022015). Collection method: clinical testing. Allele origin: germline.
Comment: Disruption of this splice site has been observed in individual(s) with autosomal dominant Waardenburg syndrome (PMID: 34599368). In at least one individual the variant was observed to be de novo. For these reasons, this variant has been classified as Pathogenic. Algorithms developed to predict the effect of sequence changes on RNA splicing suggest that this variant may disrupt the consensus splice site. ClinVar contains an entry for this variant (Variation ID: 375217). This variant is not present in population databases (gnomAD no frequency). This sequence change affects an acceptor splice site in intron 6 of the MITF gene. It is expected to disrupt RNA splicing. Variants that disrupt the donor or acceptor splice site typically lead to a loss of protein function (PMID: 16199547), and loss-of-function variants in MITF are known to be pathogenic (PMID: 8659547, 20127975).

Laboratory of Molecular, Cellular and Translation Genetics in Otolaryngology/ Lim32-hcfmusp, University of Sao Paulo School of Medicine Clinics Hospital
Classification: Pathogenic for Waardenburg syndrome type 2A. Review status: criteria provided, single submitter. Criteria: ClinGen HL ACMG Specifications v1. Collection method: research. Allele origin: germline. Inheritance: Autosomal dominant inheritance. Affected: yes. Observed: 1 variant allele, 1 heterozygote. Segregation with disease observed.

OMIM
Classification: Pathogenic for COLOBOMA, OSTEOPETROSIS, MICROPHTHALMIA, MACROCEPHALY, ALBINISM, AND DEAFNESS. Last evaluated: 2017-08-15. Review status: no assertion criteria provided. Collection method: literature only. Allele origin: germline. Not counted in ClinVar's aggregate classification.

OMIM
Classification: Pathogenic for WAARDENBURG SYNDROME, TYPE 2A. Last evaluated: 2017-08-15. Review status: no assertion criteria provided. Collection method: literature only. Allele origin: germline. Not counted in ClinVar's aggregate classification.

Literature cited by the submitters: PubMed 34599368 (cited by Labcorp Genetics (formerly Invitae), Labcorp and Laboratory of Molecular, Cellular and Translation Genetics in Otolaryngology/ Lim32-hcfmusp, University of Sao Paulo School of Medicine Clinics Hospital); PubMed 16199547 (cited by Labcorp Genetics (formerly Invitae), Labcorp); PubMed 8659547 (cited by Labcorp Genetics (formerly Invitae), Labcorp); PubMed 20127975 (cited by Labcorp Genetics (formerly Invitae), Labcorp); PubMed 27889061 (cited by OMIM).

NM_001354604.2(MITF):c.956-1G>A

Gene: MITF (melanocyte inducing transcription factor; plus strand). Cytogenetic location: 3p13.
Variant type: single nucleotide variant.
Coding change: c.956-1G>A on transcript NM_001354604.2 (MANE Select); the canonical splice acceptor site of the intron before coding-DNA position 956, G replaced by A.
Molecular consequence: splice acceptor variant.
Genome position (GRCh38, 1-based): chr3:69,956,454, G>A. VCF-style: chr3-69956454-G-A. GRCh37 (hg19) VCF-style: chr3-70005605-G-A.
Other names: 938-1G-A; c.887-1G>A (NM_001354607.2); c.782-1G>A (NM_001354608.2, NM_001184967.2); c.938-1G>A (NM_198159.3); c.953-1G>A (NM_001354605.2); c.935-1G>A (NM_001354606.2, NM_006722.3); c.890-1G>A (NM_198177.3); c.635-1G>A (NM_000248.4); and 2 more.
Identifiers: ClinVar variation 375217 (VCV000375217.7), dbSNP rs1057519327, ClinGen allele CA16044012.